The following is an entry in ClinVar:

NM_002692.4(POLE2):c.166C>A (p.Pro56Thr)

Gene: POLE2 (DNA polymerase epsilon 2, accessory subunit; minus strand). Cytogenetic location: 14q21.3.
Variant type: single nucleotide variant.
Coding change: c.166C>A on transcript NM_002692.4 (MANE Select); coding-DNA position 166, C replaced by A.
Protein change: p.Pro56Thr; replaces proline 56 with threonine.
Molecular consequence: missense variant. On other transcripts: 5 prime UTR variant (1).
Genome position (GRCh38, 1-based): chr14:49,683,596, G>T on the plus strand (C>A on the coding strand, the complement: POLE2 is on the minus strand). VCF-style: chr14-49683596-G-T. GRCh37 (hg19) VCF-style: chr14-50150314-G-T.
Other names: c.166C>A, p.Pro56Thr (NM_001197330.2, NM_001197331.3, NM_001348384.2); c.-70C>A (NM_001348385.2); short protein forms P56T.
Identifiers: ClinVar variation 4698922 (VCV004698922.1).

ClinVar aggregate classification (germline): Uncertain significance (1 of 4 stars; one submission).

Submission:

Labcorp Genetics (formerly Invitae), Labcorp
Classification: Uncertain significance. Last evaluated: 2025-12-15. Review status: criteria provided, single submitter. Criteria: Invitae Variant Classification Sherloc (09022015). Collection method: clinical testing. Allele origin: germline.
Comment: This sequence change replaces proline, which is neutral and non-polar, with threonine, which is neutral and polar, at codon 56 of the POLE2 protein (p.Pro56Thr). This variant is present in population databases (rs769824148, gnomAD 0.0009%). This variant has not been reported in the literature in individuals affected with POLE2-related conditions. An algorithm developed to predict the effect of missense changes on protein structure and function (PolyPhen-2) suggests that this variant is likely to be disruptive. In summary, the available evidence is currently insufficient to determine the role of this variant in disease. Therefore, it has been classified as a Variant of Uncertain Significance.